The following is an entry in ClinVar:

ClinVar aggregate classification (germline): Uncertain significance (1 of 4 stars; one submission).

Conditions:
Inborn genetic diseases. Identifiers: MedGen C0950123, MeSH D030342.

gnomAD v4.1: 19 of 1,575,568 alleles (0.0012%); highest among the groups gnomAD compares: Non-Finnish European, 0.0016%; no homozygotes.

Submission:

Ambry Genetics
Classification: Uncertain significance for Inborn genetic diseases. Last evaluated: 2024-12-08. Review status: criteria provided, single submitter. Criteria: Ambry Variant Classification Scheme 2023. Collection method: clinical testing. Allele origin: germline.
Comment: The p.D1148Y variant (also known as c.3442G>T), located in coding exon 16 of the MECOM gene, results from a G to T substitution at nucleotide position 3442. The aspartic acid at codon 1148 is replaced by tyrosine, an amino acid with highly dissimilar properties. This amino acid position is conserved. In addition, the in silico prediction for this alteration is inconclusive. Based on the available evidence, the clinical significance of this variant remains unclear.

NM_004991.4(MECOM):c.3442G>T (p.Asp1148Tyr)

Gene: MECOM (MDS1 and EVI1 complex locus; minus strand). Cytogenetic location: 3q26.2.
Variant type: single nucleotide variant.
Coding change: c.3442G>T on transcript NM_004991.4 (MANE Select); coding-DNA position 3442, G replaced by T.
Protein change: p.Asp1148Tyr; replaces aspartic acid 1148 with tyrosine.
Molecular consequence: missense variant.
Genome position (GRCh38, 1-based): chr3:169,089,143, C>A on the plus strand (G>T on the coding strand, the complement: MECOM is on the minus strand). VCF-style: chr3-169089143-C-A. GRCh37 (hg19) VCF-style: chr3-168806931-C-A.
Other names: c.3073G>T, p.Asp1025Tyr (NM_001105077.4); c.2878G>T, p.Asp960Tyr (NM_001105078.4, NM_001205194.2, NM_001366469.2 and 1 more transcripts); c.2854G>T, p.Asp952Tyr (NM_001163999.2, NM_001366470.2); c.2851G>T, p.Asp951Tyr (NM_001164000.2, NM_001366471.2, NM_001366472.2); c.3415G>T, p.Asp1139Tyr (NM_001366466.2); c.2881G>T, p.Asp961Tyr (NM_001366467.2, NM_001366468.2); c.2443G>T, p.Asp815Tyr (NM_001366473.2); c.1879G>T, p.Asp627Tyr (NM_001366474.2); short protein forms D961Y, D1148Y, D627Y, D960Y, D1025Y, D1139Y, D815Y, D951Y.
Identifiers: ClinVar variation 3394381 (VCV003394381.1).
Genomic context (GRCh38, chr3:169,089,143, plus strand): 5'-AATATTGATTATCTTCCATTTTCCTCATTTTGAGGCTATCTGTGAAGTGCCTTATATGAT[C>A]TAGAGCAGAAAGTCCACTTTTATATTCTTCCTCTTTATACCTAAAATGAACCAACGAAAA-3'
Protein context (NP_004982.2, residues 1138-1158): EEYKSGLSAL[Asp1148Tyr]HIRHFTDSLK